The following is an entry in ClinVar:

NM_014363.6(SACS):c.12232C>T (p.Arg4078Ter)

Gene: SACS (sacsin molecular chaperone; minus strand). Cytogenetic location: 13q12.12.
Variant type: single nucleotide variant.
Coding change: c.12232C>T on transcript NM_014363.6 (MANE Select); coding-DNA position 12232, C replaced by T.
Protein change: p.Arg4078Ter; replaces arginine 4078 with a stop codon.
Molecular consequence: nonsense.
Genome position (GRCh38, 1-based): chr13:23,331,644, G>A on the plus strand (C>T on the coding strand, the complement: SACS is on the minus strand). VCF-style: chr13-23331644-G-A. GRCh37 (hg19) VCF-style: chr13-23905783-G-A.
Other names: c.11791C>T, p.Arg3931Ter (NM_001278055.2); short protein forms R4078*, R3931*.
Identifiers: ClinVar variation 188867 (VCV000188867.11), dbSNP rs141315518, ClinGen allele CA274060.

ClinVar aggregate classification (germline): Pathogenic/Likely pathogenic. Review status: criteria provided, multiple submitters, no conflicts (2 of 4 stars). 4 submissions from 4 submitters: Pathogenic (2); Likely pathogenic (1). 1 of the submissions does not count toward it. Last evaluated 2024-03-24.

Conditions:
Spastic paraplegia. Identifiers: MedGen C0037772, HP:0001258.
Charlevoix-Saguenay spastic ataxia (SACS). Also called: Spastic ataxia of Charlevoix-Saguenay; AUTOSOMAL RECESSIVE SPASTIC ATAXIA OF CHARLEVOIX-SAGUENAY; SPASTIC ATAXIA 6, AUTOSOMAL RECESSIVE. Identifiers: Orphanet 98, MedGen C1849140, MONDO:0010041, OMIM 270550.

gnomAD v4.1: 6 of 1,613,718 alleles (0.00037%); highest among the groups gnomAD compares: Non-Finnish European, 0.00051%; no homozygotes.

Submissions (4):

Baylor Genetics
Classification: Pathogenic for Charlevoix-Saguenay spastic ataxia. Last evaluated: 2024-03-24. Review status: criteria provided, single submitter. Criteria: ACMG Guidelines, 2015. Collection method: clinical testing. Allele origin: unknown.

Labcorp Genetics (formerly Invitae), Labcorp
Classification: Pathogenic for Spastic paraplegia. Last evaluated: 2024-01-25. Review status: criteria provided, single submitter. Criteria: Invitae Variant Classification Sherloc (09022015). Collection method: clinical testing. Allele origin: germline.
Comment: This sequence change creates a premature translational stop signal (p.Arg4078*) in the SACS gene. While this is not anticipated to result in nonsense mediated decay, it is expected to disrupt the last 502 amino acid(s) of the SACS protein. This variant is present in population databases (rs141315518, gnomAD 0.003%). This premature translational stop signal has been observed in individual(s) with spastic ataxia of Charlevoix-Saguenay (PMID: 22816526). ClinVar contains an entry for this variant (Variation ID: 188867). This variant disrupts a region of the SACS protein in which other variant(s) (p.Tyr4538* ) have been determined to be pathogenic (Invitae). This suggests that this is a clinically significant region of the protein, and that variants that disrupt it are likely to be disease-causing. For these reasons, this variant has been classified as Pathogenic.

GeneDx
Classification: Likely pathogenic. Last evaluated: 2022-07-06. Review status: criteria provided, single submitter. Criteria: GeneDx Variant Classification Process June 2021. Collection method: clinical testing. Allele origin: germline. Affected: yes.
Comment: Reported in an individual with autosomal recessive spastic ataxia of Charlevoix-Saguenay (ARSACS), however segregation information was not provided (Prodi et al., 2013); Nonsense variant predicted to result in protein truncation in a gene for which loss of function is a known mechanism of disease; Not observed at significant frequency in large population cohorts (gnomAD); This variant is associated with the following publications: (PMID: 22816526, 31589614)

Counsyl
Classification: Likely pathogenic for Spastic ataxia Charlevoix-Saguenay type. Last evaluated: 2014-07-07. Review status: no assertion criteria provided. Collection method: literature only. Allele origin: unknown. Inheritance: Autosomal recessive inheritance. Not counted in ClinVar's aggregate classification.

Literature cited by the submitters: PubMed 22816526 (cited by Labcorp Genetics (formerly Invitae), Labcorp and Counsyl).